The following is an entry in ClinVar:

NM_001283009.2(RTEL1):c.3749A>G (p.Glu1250Gly)

Genes: RTEL1 (regulator of telomere elongation helicase 1; plus strand), RTEL1-TNFRSF6B (RTEL1-TNFRSF6B readthrough (NMD candidate); plus strand). Cytogenetic location: 20q13.33.
Variant type: single nucleotide variant.
Coding change: c.3749A>G on transcript NM_001283009.2 (MANE Select); coding-DNA position 3749, A replaced by G.
Protein change: p.Glu1250Gly; replaces glutamic acid 1250 with glycine.
Molecular consequence: missense variant. On other transcripts: non-coding transcript variant (1), intron variant (3).
Genome position (GRCh38, 1-based): chr20:63,695,577, A>G. VCF-style: chr20-63695577-A-G. GRCh37 (hg19) VCF-style: chr20-62326930-A-G.
Other names: c.2983+97A>G (NM_001283010.1); c.3724+97A>G (NM_032957.5); c.3652+97A>G (NM_016434.4); short protein forms E1250G.
Identifiers: ClinVar variation 4863557 (VCV004863557.1).

ClinVar aggregate classification (germline): Uncertain significance (1 of 4 stars; one submission).

Conditions:
Inborn genetic diseases. Identifiers: MedGen C0950123, MeSH D030342.

Submission:

Ambry Genetics
Classification: Uncertain significance for Inborn genetic diseases. Last evaluated: 2026-04-18. Review status: criteria provided, single submitter. Criteria: Ambry Variant Classification Scheme 2023. Collection method: clinical testing. Allele origin: germline.
Comment: The p.E1250G variant (also known as c.3749A>G), located in coding exon 33 of the RTEL1 gene, results from an A to G substitution at nucleotide position 3749. The glutamic acid at codon 1250 is replaced by glycine, an amino acid with similar properties. This amino acid position is conserved. In addition, the in silico prediction for this alteration is inconclusive. Based on the available evidence, the clinical significance of this variant remains unclear.